The following is an entry in ClinVar:

ClinVar aggregate classification (germline): Conflicting classifications of pathogenicity. Review status: criteria provided, conflicting classifications (1 of 4 stars). 2 submissions from 2 submitters: Uncertain significance (1); Likely benign (1). Last evaluated 2024-09-19.

Conditions:
Hereditary cancer-predisposing syndrome. Also called: Tumor predisposition; Neoplastic Syndromes, Hereditary; Hereditary Cancer Syndrome; Hereditary neoplastic syndrome. Identifiers: Orphanet 140162, MedGen C0027672, MeSH D009386, MONDO:0015356.
Gorlin syndrome. Also called: Basal cell nevus syndrome; Nevoid Basal Cell Carcinoma Syndrome. Identifiers: Orphanet 377, MedGen C0004779, MONDO:0007187.

Allele frequency attached by ClinVar (database versions not stated): gnomAD exomes below 0.00001; ExAC 0.00001.
gnomAD v4.1: 3 of 1,613,590 alleles (0.00019%); highest among the groups gnomAD compares: African/African-American, 0.0013%; no homozygotes.

Submissions (2):

Labcorp Genetics (formerly Invitae), Labcorp
Classification: Likely benign for Gorlin syndrome. Last evaluated: 2024-09-19. Review status: criteria provided, single submitter. Criteria: Invitae Variant Classification Sherloc (09022015). Collection method: clinical testing. Allele origin: germline.

Ambry Genetics
Classification: Uncertain significance for Hereditary cancer-predisposing syndrome. Last evaluated: 2023-10-24. Review status: criteria provided, single submitter. Criteria: Ambry Variant Classification Scheme 2023. Collection method: clinical testing. Allele origin: germline.
Comment: The p.A111T variant (also known as c.331G>A), located in coding exon 2 of the PTCH1 gene, results from a G to A substitution at nucleotide position 331. The alanine at codon 111 is replaced by threonine, an amino acid with similar properties. This amino acid position is highly conserved in available vertebrate species. In addition, this alteration is predicted to be deleterious by in silico analysis. Since supporting evidence is limited at this time, the clinical significance of this alteration remains unclear.

NM_000264.5(PTCH1):c.331G>A (p.Ala111Thr)

Gene: PTCH1 (patched 1; minus strand). Cytogenetic location: 9q22.32.
Variant type: single nucleotide variant.
Coding change: c.331G>A on transcript NM_000264.5 (MANE Select); coding-DNA position 331, G replaced by A.
Protein change: p.Ala111Thr; replaces alanine 111 with threonine.
Molecular consequence: missense variant. On other transcripts: 5 prime UTR variant (4), non-coding transcript variant (1).
Genome position (GRCh38, 1-based): chr9:95,506,470, C>T on the plus strand (G>A on the coding strand, the complement: PTCH1 is on the minus strand). VCF-style: chr9-95506470-C-T. GRCh37 (hg19) VCF-style: chr9-98268752-C-T.
Other names: c.133G>A, p.Ala45Thr (NM_001083602.3, NM_001354919.2); c.328G>A, p.Ala110Thr (NM_001083603.3); c.-123G>A (NM_001083604.3, NM_001083605.3, NM_001083606.3 and 1 more transcripts); c.331G>A, p.Ala111Thr (NM_001354918.2); short protein forms A111T, A45T, A110T.
Identifiers: ClinVar variation 486206 (VCV000486206.10), dbSNP rs777897973, ClinGen allele CA5138986.